The following is an entry in ClinVar:

NM_001127222.2(CACNA1A):c.5133+2T>A

Gene: CACNA1A (calcium voltage-gated channel subunit alpha1 A; minus strand). Cytogenetic location: 19p13.13.
Variant type: single nucleotide variant.
Coding change: c.5133+2T>A on transcript NM_001127222.2 (MANE Select); the canonical splice donor site of the intron after coding-DNA position 5133, T replaced by A.
Molecular consequence: splice donor variant.
Genome position (GRCh38, 1-based): chr19:13,235,207, A>T on the plus strand (T>A on the coding strand, the complement: CACNA1A is on the minus strand). VCF-style: chr19-13235207-A-T. GRCh37 (hg19) VCF-style: chr19-13346021-A-T.
Other names: c.5136+2T>A (NM_001127221.2); c.5142+2T>A (NM_001174080.2); c.5151+2T>A (NM_000068.4, NM_023035.3).
Identifiers: ClinVar variation 2947592 (VCV002947592.3), dbSNP rs2512645497, ClinGen allele CA404335791.
Genomic context (GRCh38, chr19:13,235,207, plus strand): 5'-CCTTTCTAAGGGTGGCTGCCCTCCTTGGGAGGCTCTGGGAACCTTAGGGACACGACACTC[A>T]CCTGCATCCCAATGATGGCATAGATGAAGAAGAGCATGGCGATCAGCAGACAGACATAAG-3'

ClinVar aggregate classification (germline): Likely pathogenic (1 of 4 stars; one submission).

Conditions:
Episodic ataxia type 2 (EA2). Also called: CEREBELLAR ATAXIA, PAROXYSMAL, ACETAZOLAMIDE-RESPONSIVE; CEREBELLOPATHY, HEREDITARY PAROXYSMAL; EPISODIC ATAXIA, NYSTAGMUS-ASSOCIATED; ACETAZOLAMIDE-RESPONSIVE HEREDITARY PAROXYSMAL CEREBELLAR ATAXIA; ATAXIA, EPISODIC, WITH NYSTAGMUS; ATAXIA, FAMILIAL PAROXYSMAL. Identifiers: Orphanet 97, MedGen C1720416, MONDO:0007163, OMIM 108500.
Developmental and epileptic encephalopathy, 42 (DEE42A). Also called: Epileptic encephalopathy, early infantile, 42; DEVELOPMENTAL AND EPILEPTIC ENCEPHALOPATHY 42A; EPILEPTIC ENCEPHALOPATHY, EARLY INFANTILE, 42A. Identifiers: MedGen C4310716, MONDO:0014917, OMIM 617106.

Submission:

Labcorp Genetics (formerly Invitae), Labcorp
Classification: Likely pathogenic for Developmental and epileptic encephalopathy, 42; Episodic ataxia type 2. Last evaluated: 2023-06-06. Review status: criteria provided, single submitter. Criteria: Invitae Variant Classification Sherloc (09022015). Collection method: clinical testing. Allele origin: germline.
Comment: This variant is not present in population databases (gnomAD no frequency). This sequence change affects a donor splice site in intron 33 of the CACNA1A gene. It is expected to disrupt RNA splicing. Variants that disrupt the donor or acceptor splice site typically lead to a loss of protein function (PMID: 16199547), and loss-of-function variants in CACNA1A are known to be pathogenic (PMID: 10371528, 19486177, 25735478, 27250579). In summary, the currently available evidence indicates that the variant is pathogenic, but additional data are needed to prove that conclusively. Therefore, this variant has been classified as Likely Pathogenic. Algorithms developed to predict the effect of sequence changes on RNA splicing suggest that this variant may disrupt the consensus splice site. This variant has not been reported in the literature in individuals affected with CACNA1A-related conditions.

Literature cited by the submitters: PubMed 16199547; PubMed 10371528; PubMed 19486177; PubMed 25735478; PubMed 27250579.